The following is an entry in ClinVar:

NM_001099403.2(PRDM8):c.884A>C (p.His295Pro)

Gene: PRDM8 (PR/SET domain 8; plus strand). Cytogenetic location: 4q21.21.
Variant type: single nucleotide variant.
Coding change: c.884A>C on transcript NM_001099403.2 (MANE Select); coding-DNA position 884, A replaced by C.
Protein change: p.His295Pro; replaces histidine 295 with proline.
Molecular consequence: missense variant.
Genome position (GRCh38, 1-based): chr4:80,202,346, A>C. VCF-style: chr4-80202346-A-C. GRCh37 (hg19) VCF-style: chr4-81123500-A-C.
Other names: c.884A>C, p.His295Pro (NM_020226.4); short protein forms H295P.
Identifiers: ClinVar variation 642805 (VCV000642805.7), dbSNP rs767560709, ClinGen allele CA2982351.

ClinVar aggregate classification (germline): Uncertain significance. Review status: criteria provided, multiple submitters, no conflicts (2 of 4 stars). 2 submissions from 2 submitters: Uncertain significance (2). Last evaluated 2024-09-09.

Conditions:
Early-onset Lafora body disease. Also called: Epilepsy, progressive myoclonic, 10. Identifiers: Orphanet 324290, MedGen C4225258, MONDO:0014717, OMIM 616640.

Allele frequency attached by ClinVar (database versions not stated): gnomAD exomes 0.00016 and 0.00026; ExAC 0.00017; TOPMed 0.00021; gnomAD 0.00026 and 0.00027.
gnomAD v4.1: 403 of 1,597,464 alleles (0.025%); highest among the groups gnomAD compares: Non-Finnish European, 0.031%; no homozygotes.

Submissions (2):

Ambry Genetics
Classification: Uncertain significance. Last evaluated: 2024-09-09. Review status: criteria provided, single submitter. Criteria: Ambry Variant Classification Scheme 2023. Collection method: clinical testing. Allele origin: germline.

Labcorp Genetics (formerly Invitae), Labcorp
Classification: Uncertain significance for Early-onset Lafora body disease. Last evaluated: 2022-10-13. Review status: criteria provided, single submitter. Criteria: Invitae Variant Classification Sherloc (09022015). Collection method: clinical testing. Allele origin: germline.
Comment: This sequence change replaces histidine, which is basic and polar, with proline, which is neutral and non-polar, at codon 295 of the PRDM8 protein (p.His295Pro). This variant is present in population databases (rs767560709, gnomAD 0.03%). This variant has not been reported in the literature in individuals affected with PRDM8-related conditions. ClinVar contains an entry for this variant (Variation ID: 642805). Advanced modeling of protein sequence and biophysical properties (such as structural, functional, and spatial information, amino acid conservation, physicochemical variation, residue mobility, and thermodynamic stability) performed at Invitae indicates that this missense variant is not expected to disrupt PRDM8 protein function. In summary, the available evidence is currently insufficient to determine the role of this variant in disease. Therefore, it has been classified as a Variant of Uncertain Significance.